The following is an entry in ClinVar:

NM_000069.3(CACNA1S):c.2658-14T>A

Gene: CACNA1S (calcium voltage-gated channel subunit alpha1 S; minus strand). Cytogenetic location: 1q32.1.
Variant type: single nucleotide variant.
Coding change: c.2658-14T>A on transcript NM_000069.3 (MANE Select); 14 bases into the intron before coding-DNA position 2658, T replaced by A.
Molecular consequence: intron variant.
Genome position (GRCh38, 1-based): chr1:201,066,330, A>T on the plus strand (T>A on the coding strand, the complement: CACNA1S is on the minus strand). VCF-style: chr1-201066330-A-T. GRCh37 (hg19) VCF-style: chr1-201035458-A-T.
Identifiers: ClinVar variation 3073843 (VCV003073843.1), dbSNP rs1174510835, ClinGen allele CA2825000881.

ClinVar aggregate classification (germline): Uncertain significance (1 of 4 stars; one submission).

Conditions:
Malignant hyperthermia, susceptibility to, 5 (MHS5). Also called: CACNA1S-Related Malignant Hyperthermia Susceptibility. Identifiers: Orphanet 423, MedGen C1866077, MONDO:0011163, OMIM 601887.

Submission:

All of Us Research Program, National Institutes of Health
Classification: Uncertain significance for Malignant hyperthermia, susceptibility to, 5. Last evaluated: 2023-10-06. Review status: criteria provided, single submitter. Criteria: ACMG Guidelines, 2015. Collection method: clinical testing. Allele origin: germline. Inheritance: Autosomal dominant inheritance. Observed: 1 variant allele, 1 heterozygote.
Comment: This variant causes a T to A nucleotide substitution at the -14 position of intron 20 of the CACNA1S gene. To our knowledge, functional studies have not been reported for this variant. This variant has not been reported in individuals affected with CACNA1S-related disorders in the literature. This variant has not been identified in the general population by the Genome Aggregation Database (gnomAD). The available evidence is insufficient to determine the role of this variant in disease conclusively. Therefore, this variant is classified as a Variant of Uncertain Significance.

This study involves interpretation of variants in research participants for the purpose of population health screening. Participant phenotype was not available at the time of variant classification. Additional details can be found in publication PMID: 35346344, PMCID: PMC8962531